The following is an entry in ClinVar:

ClinVar aggregate classification (germline): Likely benign. Review status: criteria provided, multiple submitters, no conflicts (2 of 4 stars). 4 submissions from 4 submitters: Likely benign (3). 1 of the submissions does not count toward it. Last evaluated 2025-12-08.

Conditions:
FOXC1-related disorder. Also called: FOXC1-related condition.
Axenfeld-Rieger syndrome type 3 (RIEG3). Also called: AXENFELD-RIEGER ANOMALY WITH CARDIAC DEFECTS AND/OR SENSORINEURAL HEARING LOSS. Identifiers: Orphanet 782, MedGen C2678503, MONDO:0011233, OMIM 602482.

Allele frequency attached by ClinVar (database versions not stated): gnomAD exomes 0.00007 and 0.00021; 1000 Genomes Project 30x 0.00016; 1000 Genomes Project 0.00020; ExAC 0.00028; gnomAD 0.00095 and 0.00104; TOPMed 0.00112.
gnomAD v4.1: 252 of 1,566,448 alleles (0.016%); highest among the groups gnomAD compares: African/African-American, 0.31%; no homozygotes.

Submissions (4):

Labcorp Genetics (formerly Invitae), Labcorp
Classification: Likely benign for Axenfeld-Rieger syndrome type 3. Last evaluated: 2025-12-08. Review status: criteria provided, single submitter. Criteria: Invitae Variant Classification Sherloc (09022015). Collection method: clinical testing. Allele origin: germline.

Blueprint Genetics
Classification: Likely benign. Last evaluated: 2024-07-18. Review status: criteria provided, single submitter. Criteria: ACMG Guidelines, 2015. Collection method: clinical testing. Allele origin: germline.

Eurofins Ntd Llc (ga)
Classification: Likely benign. Last evaluated: 2018-07-06. Review status: criteria provided, single submitter. Criteria: EGL ClinVar v180209 classification definitions. Collection method: clinical testing. Allele origin: germline. Observed: 3 variant alleles, 3 heterozygotes.

PreventionGenetics, part of Exact Sciences
Classification: Likely benign for FOXC1-related condition. Last evaluated: 2019-04-26. Review status: no assertion criteria provided. Collection method: clinical testing. Allele origin: germline. Not counted in ClinVar's aggregate classification.
Comment: This variant is classified as likely benign based on ACMG/AMP sequence variant interpretation guidelines (Richards et al. 2015 PMID: 25741868, with internal and published modifications).

NM_001453.3(FOXC1):c.114C>T (p.Thr38=)

Gene: FOXC1 (forkhead box C1; plus strand). Cytogenetic location: 6p25.3.
Variant type: single nucleotide variant.
Coding change: c.114C>T on transcript NM_001453.3 (MANE Select); coding-DNA position 114, C replaced by T.
Protein change: p.Thr38=; no amino-acid change (threonine 38 retained).
Molecular consequence: synonymous variant.
Genome position (GRCh38, 1-based): chr6:1,610,559, C>T. VCF-style: chr6-1610559-C-T. GRCh37 (hg19) VCF-style: chr6-1610794-C-T.
Identifiers: ClinVar variation 286637 (VCV000286637.17), dbSNP rs538126253, ClinGen allele CA3614697.
Genomic context (GRCh38, chr6:1,610,559, plus strand): 5'-CCTCGGCGGCGAGCAGAGCTACTACCGCGCGGCGGCCGCGGCGGCCGGGGGCGGCTACAC[C>T]GCCATGCCGGCCCCCATGAGCGTGTACTCGCACCCTGCGCACGCCGAGCAGTACCCGGGC-3'
Protein context (NP_001444.2, residues 28-48): AAAAAAGGGY[Thr38=]AMPAPMSVYS